The following is an entry in ClinVar:

ClinVar aggregate classification (germline): Likely pathogenic (1 of 4 stars; one submission).

gnomAD v4.1: 1 of 1,613,186 alleles (0.000062%); highest among the groups gnomAD compares: Non-Finnish European, 0.000085%; no homozygotes.

Submission:

Labcorp Genetics (formerly Invitae), Labcorp
Classification: Likely pathogenic. Last evaluated: 2024-11-18. Review status: criteria provided, single submitter. Criteria: Invitae Variant Classification Sherloc (09022015). Collection method: clinical testing. Allele origin: germline.
Comment: This sequence change affects a donor splice site in intron 11 of the CYLD gene. It is expected to disrupt RNA splicing. Variants that disrupt the donor or acceptor splice site typically lead to a loss of protein function (PMID: 16199547), and loss-of-function variants in CYLD are known to be pathogenic (PMID: 19462465). This variant is not present in population databases (gnomAD no frequency). Disruption of this splice site has been observed in individual(s) with clinica features of Brooke-Spiegler syndrome (PMID: 20132422, 23249834). Algorithms developed to predict the effect of sequence changes on RNA splicing suggest that this variant may disrupt the consensus splice site. In summary, the currently available evidence indicates that the variant is pathogenic, but additional data are needed to prove that conclusively. Therefore, this variant has been classified as Likely Pathogenic.

Literature cited by the submitters: PubMed 16199547; PubMed 19462465; PubMed 20132422; PubMed 23249834.

NM_001378743.1(CYLD):c.1684+1G>A

Gene: CYLD (CYLD lysine 63 deubiquitinase; plus strand). Cytogenetic location: 16q12.1.
Variant type: single nucleotide variant.
Coding change: c.1684+1G>A on transcript NM_001378743.1 (MANE Select); the canonical splice donor site of the intron after coding-DNA position 1684, G replaced by A.
Molecular consequence: splice donor variant.
Genome position (GRCh38, 1-based): chr16:50,781,412, G>A. VCF-style: chr16-50781412-G-A. GRCh37 (hg19) VCF-style: chr16-50815323-G-A.
Other names: c.1684+1G>A (NM_015247.3); c.1675+1G>A (NM_001378745.1, NM_001378744.1, NM_001042355.2 and 6 more transcripts); c.1645+1G>A (NM_001378753.1, NM_001378751.1, NM_001378752.1); c.1009+1G>A (NM_001378754.1, NM_001378755.1).
Identifiers: ClinVar variation 3722186 (VCV003722186.2).